The following is an entry in ClinVar:

ClinVar aggregate classification (germline): Uncertain significance. Review status: criteria provided, multiple submitters, no conflicts (2 of 4 stars). 2 submissions from 2 submitters: Uncertain significance (2). Last evaluated 2025-12-16.

Conditions:
Cardiovascular phenotype. Identifiers: MedGen CN230736.
Hypertrophic cardiomyopathy. Also called: HYPERTROPHIC MYOCARDIOPATHY. Identifiers: Orphanet 217569, MedGen C0007194, MeSH D002312, MONDO:0005045, HP:0001639.

Allele frequency attached by ClinVar (database versions not stated): gnomAD 0.00001; TOPMed 0.00001.

Submissions (2):

Labcorp Genetics (formerly Invitae), Labcorp
Classification: Uncertain significance for Hypertrophic cardiomyopathy. Last evaluated: 2025-12-16. Review status: criteria provided, single submitter. Criteria: Invitae Variant Classification Sherloc (09022015). Collection method: clinical testing. Allele origin: germline.
Comment: This sequence change replaces leucine, which is neutral and non-polar, with valine, which is neutral and non-polar, at codon 156 of the MYBPC3 protein (p.Leu156Val). This variant is not present in population databases (gnomAD no frequency). This variant has not been reported in the literature in individuals affected with MYBPC3-related conditions. ClinVar contains an entry for this variant (Variation ID: 578195). An algorithm developed to predict the effect of missense changes on protein structure and function (PolyPhen-2) suggests that this variant is likely to be disruptive. In summary, the available evidence is currently insufficient to determine the role of this variant in disease. Therefore, it has been classified as a Variant of Uncertain Significance.

Ambry Genetics
Classification: Uncertain significance for Cardiovascular phenotype. Last evaluated: 2020-12-04. Review status: criteria provided, single submitter. Criteria: Ambry Variant Classification Scheme 2023. Collection method: clinical testing. Allele origin: germline.
Comment: The p.L156V variant (also known as c.466C>G), located in coding exon 4 of the MYBPC3 gene, results from a C to G substitution at nucleotide position 466. The leucine at codon 156 is replaced by valine, an amino acid with highly similar properties. This variant has been detected in a community-based cohort in an individual without overt signs of cardiomyopathy (Bick AG et al. Am J Hum Genet, 2012 Sep;91:513-9). This amino acid position is highly conserved in available vertebrate species. In addition, this alteration is predicted to be tolerated by in silico analysis. Since supporting evidence is limited at this time, the clinical significance of this alteration remains unclear.

Literature cited by the submitters: PubMed 22958901 (cited by Ambry Genetics).

NM_000256.3(MYBPC3):c.466C>G (p.Leu156Val)

Gene: MYBPC3 (myosin binding protein C3; minus strand). Cytogenetic location: 11p11.2.
Variant type: single nucleotide variant.
Coding change: c.466C>G on transcript NM_000256.3 (MANE Select); coding-DNA position 466, C replaced by G.
Protein change: p.Leu156Val; replaces leucine 156 with valine.
Molecular consequence: missense variant.
Genome position (GRCh38, 1-based): chr11:47,350,053, G>C on the plus strand (C>G on the coding strand, the complement: MYBPC3 is on the minus strand). VCF-style: chr11-47350053-G-C. GRCh37 (hg19) VCF-style: chr11-47371604-G-C.
Other names: c.466C>G, p.Leu156Val (LRG_386t1); short protein forms L156V.
Identifiers: ClinVar variation 578195 (VCV000578195.10), dbSNP rs1001923615, ClinGen allele CA221707180.
Genomic context (GRCh38, chr11:47,350,053, plus strand): 5'-GGCACAGCAGCTCACACTCACCCACGGTCACCTCGCCATCCTGTGGCCGCATCACGAAGA[G>C]GCCAATGGGGTCATCGGGGGCTCCAGGGGTAGGACCATTGAGAGCTGCTGAGCTTGACCC-3'
Protein context (NP_000247.2, residues 146-166): TPGAPDDPIG[Leu156Val]FVMRPQDGEV